The following is an entry in ClinVar:

NM_000265.7(NCF1):c.621G>A (p.Ala207=)

Genes: NCF1 (neutrophil cytosolic factor 1; plus strand), LOC106029312 (Williams-Beuren syndrome medial block B recombination region; plus strand). Cytogenetic location: 7q11.23.
Variant type: single nucleotide variant.
Coding change: c.621G>A on transcript NM_000265.7 (MANE Select); coding-DNA position 621, G replaced by A.
Protein change: p.Ala207=; no amino-acid change (alanine 207 retained).
Molecular consequence: synonymous variant.
Genome position (GRCh38, 1-based): chr7:74,783,571, G>A. VCF-style: chr7-74783571-G-A. GRCh37 (hg19) VCF-style: chr7-74197914-G-A.
Identifiers: ClinVar variation 2673108 (VCV002673108.24), dbSNP rs879968738, ClinGen allele CA455894530.
Genomic context (GRCh38, chr7:74,783,571, plus strand): 5'-CACCTCTGGCACAGGTTGGTGGTTCTGTCAGATGAAAGCAAAGCGAGGCTGGATCCCAGC[G>A]TCCTTCCTCGAGCCCCTGGACAGTCCTGACGAGACGGAAGACCCTGAGCCCAACTATGCA-3'
Protein context (NP_000256.4, residues 197-217): QMKAKRGWIP[Ala207=]SFLEPLDSPD

ClinVar aggregate classification (germline): Likely benign. Review status: criteria provided, multiple submitters, no conflicts (2 of 4 stars). 2 submissions from 2 submitters: Likely benign (2). Last evaluated 2025-09-01.

Submissions (2):

CeGaT Center for Human Genetics Tuebingen
Classification: Likely benign. Last evaluated: 2025-09-01. Review status: criteria provided, single submitter. Criteria: CeGaT Center For Human Genetics Tuebingen Variant Classification Criteria Version 2. Collection method: clinical testing. Allele origin: germline. Affected: yes. Observed: 2 variant alleles.
Comment: NCF1: BP4, BP7

Blueprint Genetics
Classification: Likely benign. Last evaluated: 2024-11-05. Review status: criteria provided, single submitter. Criteria: ACMG Guidelines, 2015. Collection method: clinical testing. Allele origin: germline.